The following is an entry in ClinVar:

ClinVar aggregate classification (germline): Uncertain significance. Review status: criteria provided, multiple submitters, no conflicts (2 of 4 stars). 3 submissions from 3 submitters: Uncertain significance (3). Last evaluated 2026-05-09.

Conditions:
BBS10-related disorder. Also called: BBS10-related condition.
Bardet-Biedl syndrome (BBS). Identifiers: Orphanet 110, MedGen C0752166, MONDO:0015229.
Inborn genetic diseases. Identifiers: MedGen C0950123, MeSH D030342.

Allele frequency attached by ClinVar (database versions not stated): gnomAD exomes below 0.00001; TOPMed below 0.00001; gnomAD 0.00001.
gnomAD v4.1: 6 of 1,613,444 alleles (0.00037%); highest among the groups gnomAD compares: Non-Finnish European, 0.00042%; no homozygotes.

Submissions (3):

PreventionGenetics, part of Exact Sciences
Classification: Uncertain significance for BBS10-related condition. Last evaluated: 2026-05-09. Review status: criteria provided, single submitter. Criteria: ACMG Guidelines, 2015. Collection method: clinical testing. Allele origin: germline.
Comment: The BBS10 c.1915G>A variant is predicted to result in the amino acid substitution p.Gly639Ser. To our knowledge, this variant has not been reported in the literature or in a large population database (gnomAD), indicating this variant is rare. At this time, the clinical significance of this variant is uncertain due to the absence of conclusive functional and genetic evidence.

Labcorp Genetics (formerly Invitae), Labcorp
Classification: Uncertain significance for Bardet-Biedl syndrome. Last evaluated: 2025-12-15. Review status: criteria provided, single submitter. Criteria: Invitae Variant Classification Sherloc (09022015). Collection method: clinical testing. Allele origin: germline.
Comment: This sequence change replaces glycine, which is neutral and non-polar, with serine, which is neutral and polar, at codon 639 of the BBS10 protein (p.Gly639Ser). This variant is not present in population databases (gnomAD no frequency). This variant has not been reported in the literature in individuals affected with BBS10-related conditions. ClinVar contains an entry for this variant (Variation ID: 2044331). Invitae Evidence Modeling of protein sequence and biophysical properties (such as structural, functional, and spatial information, amino acid conservation, physicochemical variation, residue mobility, and thermodynamic stability) indicates that this missense variant is not expected to disrupt BBS10 protein function with a negative predictive value of 80%. In summary, the available evidence is currently insufficient to determine the role of this variant in disease. Therefore, it has been classified as a Variant of Uncertain Significance.

Ambry Genetics
Classification: Uncertain significance for Inborn genetic diseases. Last evaluated: 2024-09-08. Review status: criteria provided, single submitter. Criteria: Ambry Variant Classification Scheme 2023. Collection method: clinical testing. Allele origin: germline.

NM_024685.4(BBS10):c.1915G>A (p.Gly639Ser)

Gene: BBS10 (Bardet-Biedl syndrome 10; minus strand). Cytogenetic location: 12q21.2.
Variant type: single nucleotide variant.
Coding change: c.1915G>A on transcript NM_024685.4 (MANE Select); coding-DNA position 1915, G replaced by A.
Protein change: p.Gly639Ser; replaces glycine 639 with serine.
Molecular consequence: missense variant.
Genome position (GRCh38, 1-based): chr12:76,346,070, C>T on the plus strand (G>A on the coding strand, the complement: BBS10 is on the minus strand). VCF-style: chr12-76346070-C-T. GRCh37 (hg19) VCF-style: chr12-76739850-C-T.
Other names: c.1915G>A (NM_024685.3); short protein forms G639S.
Identifiers: ClinVar variation 2044331 (VCV002044331.4), dbSNP rs1440906467, ClinGen allele CA385809052.